The following is an entry in ClinVar:

NM_024513.4(FYCO1):c.3323A>G (p.Lys1108Arg)

Gene: FYCO1 (FYVE and coiled-coil domain autophagy adaptor 1; minus strand). Cytogenetic location: 3p21.31.
Variant type: single nucleotide variant.
Coding change: c.3323A>G on transcript NM_024513.4 (MANE Select); coding-DNA position 3323, A replaced by G.
Protein change: p.Lys1108Arg; replaces lysine 1108 with arginine.
Molecular consequence: missense variant.
Genome position (GRCh38, 1-based): chr3:45,962,339, T>C on the plus strand (A>G on the coding strand, the complement: FYCO1 is on the minus strand). VCF-style: chr3-45962339-T-C. GRCh37 (hg19) VCF-style: chr3-46003831-T-C.
Other names: short protein forms K1108R.
Identifiers: ClinVar variation 766768 (VCV000766768.8), dbSNP rs139535132, ClinGen allele CA2352814.

ClinVar aggregate classification (germline): Likely benign. Review status: criteria provided, multiple submitters, no conflicts (2 of 4 stars). 3 submissions from 3 submitters: Likely benign (2). 1 of the submissions does not count toward it. Last evaluated 2025-10-16.

Conditions:
FYCO1-related disorder. Also called: FYCO1-related condition.
Cataract 18 (CATC2). Also called: CATARACT 18, AUTOSOMAL RECESSIVE. Identifiers: Orphanet 91492, Orphanet 98991, Orphanet 98992, Orphanet 98995, MedGen C1864908, MONDO:0012395, OMIM 610019.

Allele frequency attached by ClinVar (database versions not stated): gnomAD exomes 0.00021 and 0.00038; ExAC 0.00044; gnomAD 0.00129 and 0.00133; ESP Exome Variant Server 0.00161; TOPMed 0.00162; 1000 Genomes Project 0.00180; 1000 Genomes Project 30x 0.00187.
gnomAD v4.1: 514 of 1,614,086 alleles (0.032%); highest among the groups gnomAD compares: African/African-American, 0.46%; no homozygotes.

Submissions (3):

Labcorp Genetics (formerly Invitae), Labcorp
Classification: Likely benign for Cataract 18. Last evaluated: 2025-10-16. Review status: criteria provided, single submitter. Criteria: Invitae Variant Classification Sherloc (09022015). Collection method: clinical testing. Allele origin: germline.

Blueprint Genetics
Classification: Likely benign. Last evaluated: 2024-09-23. Review status: criteria provided, single submitter. Criteria: ACMG Guidelines, 2015. Collection method: clinical testing. Allele origin: germline.

PreventionGenetics, part of Exact Sciences
Classification: Likely benign for FYCO1-related condition. Last evaluated: 2024-09-18. Review status: no assertion criteria provided. Collection method: clinical testing. Allele origin: germline. Not counted in ClinVar's aggregate classification.
Comment: This variant is classified as likely benign based on ACMG/AMP sequence variant interpretation guidelines (Richards et al. 2015 PMID: 25741868, with internal and published modifications).